The following is an entry in ClinVar:

ClinVar aggregate classification (germline): Uncertain significance (1 of 4 stars; one submission).

Conditions:
Epileptic encephalopathy. Identifiers: MedGen C0543888, HP:0200134.

Allele frequency attached by ClinVar (database versions not stated): ExAC 0.00001; gnomAD 0.00001; gnomAD exomes 0.00001.
gnomAD v4.1: 7 of 1,609,464 alleles (0.00043%); highest among the groups gnomAD compares: Admixed American, 0.0033%; no homozygotes.

Submission:

Labcorp Genetics (formerly Invitae), Labcorp
Classification: Uncertain significance for Epileptic encephalopathy. Last evaluated: 2024-02-23. Review status: criteria provided, single submitter. Criteria: Invitae Variant Classification Sherloc (09022015). Collection method: clinical testing. Allele origin: germline.
Comment: This sequence change replaces alanine, which is neutral and non-polar, with threonine, which is neutral and polar, at codon 888 of the FASN protein (p.Ala888Thr). This variant is present in population databases (rs763888232, gnomAD 0.002%). This variant has not been reported in the literature in individuals affected with FASN-related conditions. ClinVar contains an entry for this variant (Variation ID: 1349129). An algorithm developed to predict the effect of missense changes on protein structure and function (PolyPhen-2) suggests that this variant is likely to be disruptive. In summary, the available evidence is currently insufficient to determine the role of this variant in disease. Therefore, it has been classified as a Variant of Uncertain Significance.

NM_004104.5(FASN):c.2662G>A (p.Ala888Thr)

Gene: FASN (fatty acid synthase; minus strand). Cytogenetic location: 17q25.3.
Variant type: single nucleotide variant.
Coding change: c.2662G>A on transcript NM_004104.5 (MANE Select); coding-DNA position 2662, G replaced by A.
Protein change: p.Ala888Thr; replaces alanine 888 with threonine.
Molecular consequence: missense variant.
Genome position (GRCh38, 1-based): chr17:82,088,239, C>T on the plus strand (G>A on the coding strand, the complement: FASN is on the minus strand). VCF-style: chr17-82088239-C-T. GRCh37 (hg19) VCF-style: chr17-80046115-C-T.
Other names: short protein forms A888T.
Identifiers: ClinVar variation 1349129 (VCV001349129.8), dbSNP rs763888232, ClinGen allele CA8852689.